The following is an entry in ClinVar:

ClinVar aggregate classification (germline): Benign (0 of 4 stars; one submission).

Conditions:
SPEN-related disorder. Also called: SPEN-related condition.

Allele frequency attached by ClinVar (database versions not stated): gnomAD 0.04885; TOPMed 0.05290; 1000 Genomes Project 0.05391; ExAC 0.02244; 1000 Genomes Project 30x 0.05575; ESP Exome Variant Server 0.05605.
gnomAD v4.1: 23,630 of 1,613,234 alleles (1.5%); highest among the groups gnomAD compares: African/African-American, 15%; 991 homozygotes.

Submission:

PreventionGenetics, part of Exact Sciences
Classification: Benign for SPEN-related condition. Last evaluated: 2024-03-29. Review status: no assertion criteria provided. Collection method: clinical testing. Allele origin: germline.
Comment: This variant is classified as benign based on ACMG/AMP sequence variant interpretation guidelines (Richards et al. 2015 PMID: 25741868, with internal and published modifications).

NM_015001.3(SPEN):c.6408G>A (p.Gln2136=)

Gene: SPEN (spen family transcriptional repressor; plus strand). Cytogenetic location: 1p36.13.
Variant type: single nucleotide variant.
Coding change: c.6408G>A on transcript NM_015001.3 (MANE Select); coding-DNA position 6408, G replaced by A.
Protein change: p.Gln2136=; no amino-acid change (glutamine 2136 retained).
Molecular consequence: synonymous variant.
Genome position (GRCh38, 1-based): chr1:15,932,648, G>A. VCF-style: chr1-15932648-G-A. GRCh37 (hg19) VCF-style: chr1-16259143-G-A.
Identifiers: ClinVar variation 3037637 (VCV003037637.2), dbSNP rs58017855, ClinGen allele CA619917.